The following is an entry in ClinVar:

NM_000202.8(IDS):c.786_787delinsC (p.Ala263fs)

Genes: IDS (iduronate 2-sulfatase; minus strand), LOC106050102 (IDS recombination region; plus strand). Cytogenetic location: Xq28.
Variant type: Indel.
Coding change: c.786_787delinsC on transcript NM_000202.8 (MANE Select); coding-DNA positions 786 to 787, GG replaced by C.
Protein change: p.Ala263fs; shifts the reading frame from alanine 263.
Molecular consequence: frameshift variant. On other transcripts: non-coding transcript variant (1).
Genome position (GRCh38, 1-based): chrX:149,496,438-149,496,439, CC replaced by G on the plus strand (GG replaced by C on the coding strand, the reverse complement: IDS is on the minus strand). VCF-style: chrX-149496438-CC-G. GRCh37 (hg19) VCF-style: chrX-148577969-CC-G.
Other names: c.516_517delinsC, p.Ala173fs (NM_001166550.4); c.786_787delinsC, p.Ala263fs (NM_006123.5); short protein forms A173fs, A263fs.
Identifiers: ClinVar variation 988682 (VCV000988682.3), dbSNP rs2089437147, ClinGen allele CA2465008698.

ClinVar aggregate classification (germline): Pathogenic. Review status: criteria provided, single submitter (1 of 4 stars). 2 submissions from 2 submitters: Pathogenic (1). 1 of the submissions does not count toward it. Last evaluated 2024-06-07.

Conditions:
Mucopolysaccharidosis, MPS-II (MPS2). Also called: IDS deficiency; Sulfoiduronate sulfatase deficiency; SIDS deficiency; Mucopolysaccharidosis type 2; Mucopolysaccharidosis Type II; Attenuated MPS (subtype; formerly known as mild MPS II). Identifiers: Orphanet 580, Orphanet 79388, MedGen C0026705, MONDO:0010674, OMIM 309900.

Submissions (2):

Laboratory of Diagnosis and Therapy of Lysosomal Disorders, University of Padova
Classification: Pathogenic for Mucopolysaccharidosis, MPS-II. Last evaluated: 2024-06-07. Review status: criteria provided, single submitter. Criteria: ACMG Guidelines, 2015. Collection method: literature only. Allele origin: germline. Affected: yes. Observed: 1 variant allele.
Comment: Null variant (PVS1_VeryStrong), Absent from controls (or at low frequency) in gnomAD database (PM2_Moderate), Patient’s phenotype or family history highly specific for the disease (PP4_Strong)

Classification method: ACMG Guidelines [PMID:25741868] with modifications

Laboratory of Inherited Metabolic Diseases, Research centre for medical genetics
Classification: Pathogenic for Mucopolysaccharidosis, type II; MPS2. Review status: no assertion criteria provided. Collection method: research. Allele origin: germline. Affected: yes. Not counted in ClinVar's aggregate classification.

Literature cited by the submitters: PubMed 33676511 (cited by Laboratory of Diagnosis and Therapy of Lysosomal Disorders, University of Padova).